The following is an entry in ClinVar:

ClinVar aggregate classification (germline): Uncertain significance (1 of 4 stars; one submission).

Conditions:
Inborn genetic diseases. Identifiers: MedGen C0950123, MeSH D030342.

Submission:

Ambry Genetics
Classification: Uncertain significance for Inborn genetic diseases. Last evaluated: 2025-01-09. Review status: criteria provided, single submitter. Criteria: Ambry Variant Classification Scheme 2023. Collection method: clinical testing. Allele origin: germline.
Comment: The p.E1211G variant (also known as c.3632A>G), located in coding exon 24 of the ANKRD26 gene, results from an A to G substitution at nucleotide position 3632. The glutamic acid at codon 1211 is replaced by glycine, an amino acid with similar properties. This amino acid position is conserved. In addition, this alteration is predicted to be tolerated by in silico analysis. Based on the available evidence, the clinical significance of this variant remains unclear.

NM_014915.3(ANKRD26):c.3632A>G (p.Glu1211Gly)

Gene: ANKRD26 (ankyrin repeat domain containing 26; minus strand). Cytogenetic location: 10p12.1.
Variant type: single nucleotide variant.
Coding change: c.3632A>G on transcript NM_014915.3 (MANE Select); coding-DNA position 3632, A replaced by G.
Protein change: p.Glu1211Gly; replaces glutamic acid 1211 with glycine.
Molecular consequence: missense variant.
Genome position (GRCh38, 1-based): chr10:27,034,818, T>C on the plus strand (A>G on the coding strand, the complement: ANKRD26 is on the minus strand). VCF-style: chr10-27034818-T-C. GRCh37 (hg19) VCF-style: chr10-27323747-T-C.
Other names: c.3629A>G, p.Glu1210Gly (NM_001256053.2); short protein forms E1210G, E1211G.
Identifiers: ClinVar variation 3870157 (VCV003870157.1).